The following is an entry in ClinVar:

ClinVar aggregate classification (germline): Conflicting classifications of pathogenicity. Review status: criteria provided, conflicting classifications (1 of 4 stars). 3 submissions from 3 submitters: Uncertain significance (1); Likely benign (2). Last evaluated 2024-05-14.

Conditions:
Cardiovascular phenotype. Identifiers: MedGen CN230736.
Cardiomyopathy (CMYO). Also called: Cardiomyopathies. Identifiers: Orphanet 167848, MedGen C0878544, MONDO:0004994, HP:0001638. Inheritance: Various modes of inheritance.
Hypertrophic cardiomyopathy. Also called: HYPERTROPHIC MYOCARDIOPATHY. Identifiers: Orphanet 217569, MedGen C0007194, MeSH D002312, MONDO:0005045, HP:0001639.

Allele frequency attached by ClinVar (database versions not stated): gnomAD exomes 0.00001.
gnomAD v4.1: 3 of 1,614,106 alleles (0.00019%); highest among the groups gnomAD compares: Admixed American, 0.005%; no homozygotes.

Submissions (3):

All of Us Research Program, National Institutes of Health
Classification: Uncertain significance for Cardiomyopathy. Last evaluated: 2024-05-14. Review status: criteria provided, single submitter. Criteria: ACMG Guidelines, 2015. Collection method: clinical testing. Allele origin: germline. Inheritance: Autosomal dominant inheritance. Observed: 4 variant alleles, 4 heterozygotes.
Comment: This synonymous variant does not change the encoded amino acid at codon 1936 of the MYH7 protein, but it causes a G to A substitution at the last nucleotide of exon 40 of the MYH7 gene. To our knowledge, functional studies have not been reported for this variant. This variant has not been reported in individuals affected with MYH7-related disorders in the literature. This variant has been identified in 1/251306 chromosomes in the general population by the Genome Aggregation Database (gnomAD). The available evidence is insufficient to determine the role of this variant in disease conclusively. Therefore, this variant is classified as a Variant of Uncertain Significance.

This study involves interpretation of variants in research participants for the purpose of population health screening. Participant phenotype was not available at the time of variant classification. Additional details can be found in publication PMID: 35346344, PMCID: PMC8962531

Labcorp Genetics (formerly Invitae), Labcorp
Classification: Likely benign for Hypertrophic cardiomyopathy. Last evaluated: 2024-02-17. Review status: criteria provided, single submitter. Criteria: Invitae Variant Classification Sherloc (09022015). Collection method: clinical testing. Allele origin: germline.

Ambry Genetics
Classification: Likely benign for Cardiovascular phenotype. Last evaluated: 2022-08-05. Review status: criteria provided, single submitter. Criteria: Ambry Variant Classification Scheme 2023. Collection method: clinical testing. Allele origin: germline.

NM_000257.4(MYH7):c.5808G>A (p.Ter1936=)

Gene: MYH7 (myosin heavy chain 7; minus strand). Cytogenetic location: 14q11.2.
Variant type: single nucleotide variant.
Coding change: c.5808G>A on transcript NM_000257.4 (MANE Select); coding-DNA position 5808, G replaced by A.
Protein change: p.Ter1936=.
Molecular consequence: synonymous variant.
Genome position (GRCh38, 1-based): chr14:23,412,854, C>T on the plus strand (G>A on the coding strand, the complement: MYH7 is on the minus strand). VCF-style: chr14-23412854-C-T. GRCh37 (hg19) VCF-style: chr14-23882063-C-T.
Other names: c.5808G>A, p.Ter1936= (NM_001407004.1).
Identifiers: ClinVar variation 1749820 (VCV001749820.10), dbSNP rs1374291383, ClinGen allele CA485615937.
Genomic context (GRCh38, chr14:23,412,854, plus strand): 5'-GGCTCCAGCATGGGGCTTTGCTGGCACCTCCAGGGCTGAGCAGATCAAGATGTGGCAAAG[C>T]TACTCCTCATTCAAGCCCTTTTGAAAGGAAACAAAGTCCAATCAGTCCTTGGAGAGATGG-3'